The following is an entry in ClinVar:

ClinVar aggregate classification (germline): Likely benign. Review status: reviewed by expert panel (3 of 4 stars). 4 submissions from 4 submitters: Likely benign (1). 3 of the submissions do not count toward it. Last evaluated 2017-06-29.

Conditions:
Hereditary cancer-predisposing syndrome. Also called: Tumor predisposition; Hereditary Cancer Syndrome; Hereditary neoplastic syndrome; Neoplastic Syndromes, Hereditary. Identifiers: Orphanet 140162, MedGen C0027672, MeSH D009386, MONDO:0015356.
Hereditary breast ovarian cancer syndrome. Also called: Breast and ovarian cancer; Hereditary breast and ovarian cancer syndrome; Hereditary breast and ovarian cancer; BRCA1- and BRCA2-Associated Hereditary Breast and Ovarian Cancer; Hereditary breast and ovarian cancer syndrome (HBOC); Hereditary breast and/or ovarian cancer syndrome. Identifiers: Orphanet 145, MedGen C0677776, MeSH D061325, MONDO:0003582. Disease mechanism: loss of function.
Breast-ovarian cancer, familial, susceptibility to, 2 (BROVCA2). Also called: BRCA2 Hereditary Breast and Ovarian Cancer. Identifiers: Orphanet 145, MedGen C2675520, MONDO:0012933, OMIM 612555. Disease mechanism: loss of function.

Allele frequency attached by ClinVar (database versions not stated): gnomAD exomes below 0.00001.
gnomAD v4.1: 1 of 1,612,144 alleles (0.000062%); highest among the groups gnomAD compares: Non-Finnish European, 0.000085%; no homozygotes.

Submissions (4):

Evidence-based Network for the Interpretation of Germline Mutant Alleles (ENIGMA)
Classification: Likely benign for Breast-ovarian cancer, familial, susceptibility to, 2. Last evaluated: 2017-06-29. Review status: reviewed by expert panel. Criteria: ENIGMA BRCA1/2 Classification Criteria (2017-06-29). Collection method: curation. Allele origin: germline.
Comment: Synonymous substitution variant, with low bioinformatic likelihood to result in a splicing aberration (Splicing prior probability 0.02).

Labcorp Genetics (formerly Invitae), Labcorp
Classification: Likely benign for Hereditary breast ovarian cancer syndrome. Last evaluated: 2024-04-07. Review status: criteria provided, single submitter. Criteria: Invitae Variant Classification Sherloc (09022015). Collection method: clinical testing. Allele origin: germline. Not counted in ClinVar's aggregate classification.

Ambry Genetics
Classification: Likely benign for Hereditary cancer-predisposing syndrome. Last evaluated: 2019-10-11. Review status: criteria provided, single submitter. Criteria: Ambry Variant Classification Scheme 2023. Collection method: clinical testing. Allele origin: germline. Not counted in ClinVar's aggregate classification.

GeneDx
Classification: Likely benign. Last evaluated: 2017-01-09. Review status: criteria provided, single submitter. Criteria: GeneDx Variant Classification (06012015). Collection method: clinical testing. Allele origin: germline. Affected: yes. Not counted in ClinVar's aggregate classification.
Comment: This variant is considered likely benign or benign based on one or more of the following criteria: it is a conservative change, it occurs at a poorly conserved position in the protein, it is predicted to be benign by multiple in silico algorithms, and/or has population frequency not consistent with disease.

NM_000059.4(BRCA2):c.6216C>G (p.Ser2072=)

Gene: BRCA2 (BRCA2 DNA repair associated; plus strand). Cytogenetic location: 13q13.1.
Variant type: single nucleotide variant.
Coding change: c.6216C>G on transcript NM_000059.4 (MANE Select); coding-DNA position 6216, C replaced by G.
Protein change: p.Ser2072=; no amino-acid change (serine 2072 retained).
Molecular consequence: synonymous variant.
Genome position (GRCh38, 1-based): chr13:32,340,571, C>G. VCF-style: chr13-32340571-C-G. GRCh37 (hg19) VCF-style: chr13-32914708-C-G.
Identifiers: ClinVar variation 184339 (VCV000184339.16), dbSNP rs786201410, ClinGen allele CA023760.